The following is an entry in ClinVar:

NM_013322.3(SNX10):c.111+5G>C

Gene: SNX10 (sorting nexin 10; plus strand). Cytogenetic location: 7p15.2.
Variant type: single nucleotide variant.
Coding change: c.111+5G>C on transcript NM_013322.3 (MANE Select); 5 bases into the intron after coding-DNA position 111, G replaced by C.
Molecular consequence: intron variant.
Genome position (GRCh38, 1-based): chr7:26,361,066, G>C. VCF-style: chr7-26361066-G-C. GRCh37 (hg19) VCF-style: chr7-26400686-G-C.
Other names: c.189+5G>C (NM_001362754.1, NM_001362753.1, NM_001318198.1); c.111+5G>C (NM_001199835.1, NM_001318199.3); c.102+5G>C (NM_001199837.3).
Identifiers: ClinVar variation 1469623 (VCV001469623.6), dbSNP rs1434471678, ClinGen allele CA573574409.
Genomic context (GRCh38, chr7:26,361,066, plus strand): 5'-GGATTCAGAAGGAGGACTTCTGGCATTCTTACATTGACTATGAGATATGTATTCATGTAA[G>C]TATGTAGTCAGTAGAAATAGTAATTTTGAGGGACTTTTATGGGATACATTTTATGGGATA-3'

ClinVar aggregate classification (germline): Uncertain significance (1 of 4 stars; one submission).

Allele frequency attached by ClinVar (database versions not stated): gnomAD exomes below 0.00001; TOPMed below 0.00001.
gnomAD v4.1: 3 of 1,591,726 alleles (0.00019%); highest among the groups gnomAD compares: Non-Finnish European, 0.00026%; no homozygotes.

Submission:

Labcorp Genetics (formerly Invitae), Labcorp
Classification: Uncertain significance. Last evaluated: 2021-08-17. Review status: criteria provided, single submitter. Criteria: Invitae Variant Classification Sherloc (09022015). Collection method: clinical testing. Allele origin: germline.
Comment: This sequence change falls in intron 3 of the SNX10 gene. It does not directly change the encoded amino acid sequence of the SNX10 protein. It affects a nucleotide within the consensus splice site of the intron. This variant is not present in population databases (ExAC no frequency). This variant has been observed in individual(s) with osteopetrosis (PMID: 23280965). Variants that disrupt the consensus splice site are a relatively common cause of aberrant splicing (PMID: 17576681, 9536098). Algorithms developed to predict the effect of sequence changes on RNA splicing suggest that this variant may disrupt the consensus splice site. In summary, the available evidence is currently insufficient to determine the role of this variant in disease. Therefore, it has been classified as a Variant of Uncertain Significance.

Literature cited by the submitters: PubMed 23280965; PubMed 17576681; PubMed 9536098.